The following is an entry in ClinVar:

NM_005591.4(MRE11):c.1837T>C (p.Ser613Pro)

Gene: MRE11 (MRE11 double strand break repair nuclease; minus strand). Cytogenetic location: 11q21.
Variant type: single nucleotide variant.
Coding change: c.1837T>C on transcript NM_005591.4 (MANE Select); coding-DNA position 1837, T replaced by C.
Protein change: p.Ser613Pro; replaces serine 613 with proline.
Molecular consequence: missense variant. On other transcripts: intron variant (1).
Genome position (GRCh38, 1-based): chr11:94,445,840, A>G on the plus strand (T>C on the coding strand, the complement: MRE11 is on the minus strand). VCF-style: chr11-94445840-A-G. GRCh37 (hg19) VCF-style: chr11-94179006-A-G.
Other names: c.1834T>C, p.Ser612Pro (NM_001330347.2); c.1783+1379T>C (NM_005590.4); short protein forms S613P, S612P.
Identifiers: ClinVar variation 820137 (VCV000820137.4), dbSNP rs1179295614, ClinGen allele CA382366531.

ClinVar aggregate classification (germline): Uncertain significance (1 of 4 stars; one submission).

Conditions:
Hereditary cancer-predisposing syndrome. Also called: Neoplastic Syndromes, Hereditary; Tumor predisposition; Hereditary Cancer Syndrome; Hereditary neoplastic syndrome. Identifiers: Orphanet 140162, MedGen C0027672, MeSH D009386, MONDO:0015356.

Submission:

Ambry Genetics
Classification: Uncertain significance for Hereditary cancer-predisposing syndrome. Last evaluated: 2018-07-31. Review status: criteria provided, single submitter. Criteria: Ambry Variant Classification Scheme 2023. Collection method: clinical testing. Allele origin: germline.
Comment: The p.S613P variant (also known as c.1837T>C), located in coding exon 15 of the MRE11A gene, results from a T to C substitution at nucleotide position 1837. The serine at codon 613 is replaced by proline, an amino acid with similar properties. This amino acid position is well conserved in available vertebrate species. In addition, this alteration is predicted to be tolerated by in silico analysis. Since supporting evidence is limited at this time, the clinical significance of this alteration remains unclear.